The following is an entry in ClinVar:

NM_020765.3(UBR4):c.11625C>T (p.Cys3875=)

Gene: UBR4 (ubiquitin protein ligase E3 component n-recognin 4; minus strand). Cytogenetic location: 1p36.13.
Variant type: single nucleotide variant.
Coding change: c.11625C>T on transcript NM_020765.3 (MANE Select); coding-DNA position 11625, C replaced by T.
Protein change: p.Cys3875=; no amino-acid change (cysteine 3875 retained).
Molecular consequence: synonymous variant.
Genome position (GRCh38, 1-based): chr1:19,112,700, G>A on the plus strand (C>T on the coding strand, the complement: UBR4 is on the minus strand). VCF-style: chr1-19112700-G-A. GRCh37 (hg19) VCF-style: chr1-19439194-G-A.
Identifiers: ClinVar variation 3049222 (VCV003049222.2), dbSNP rs148095267, ClinGen allele CA648933.

ClinVar aggregate classification (germline): Likely benign (0 of 4 stars; one submission).

Conditions:
UBR4-related disorder. Also called: UBR4-related condition.

Allele frequency attached by ClinVar (database versions not stated): 1000 Genomes Project 30x 0.00016; 1000 Genomes Project 0.00020; TOPMed 0.00064; ESP Exome Variant Server 0.00069; gnomAD 0.00121; gnomAD exomes 0.00142; ExAC 0.00190.
gnomAD v4.1: 2,243 of 1,614,222 alleles (0.14%); highest among the groups gnomAD compares: South Asian, 0.23%; 7 homozygotes.

Submission:

PreventionGenetics, part of Exact Sciences
Classification: Likely benign for UBR4-related condition. Last evaluated: 2019-03-01. Review status: no assertion criteria provided. Collection method: clinical testing. Allele origin: germline.
Comment: This variant is classified as likely benign based on ACMG/AMP sequence variant interpretation guidelines (Richards et al. 2015 PMID: 25741868, with internal and published modifications).